The following is an entry in ClinVar:

NM_004006.3(DMD):c.9478C>T (p.Arg3160Cys)

Gene: DMD (dystrophin; minus strand). Cytogenetic location: Xp21.2.
Variant type: single nucleotide variant.
Coding change: c.9478C>T on transcript NM_004006.3 (MANE Select); coding-DNA position 9478, C replaced by T.
Protein change: p.Arg3160Cys; replaces arginine 3160 with cysteine.
Molecular consequence: missense variant.
Genome position (GRCh38, 1-based): chrX:31,209,583, G>A on the plus strand (C>T on the coding strand, the complement: DMD is on the minus strand). VCF-style: chrX-31209583-G-A. GRCh37 (hg19) VCF-style: chrX-31227700-G-A.
Other names: c.9454C>T, p.Arg3152Cys (NM_000109.4); c.9466C>T, p.Arg3156Cys (NM_004009.3); c.9109C>T, p.Arg3037Cys (NM_004010.3); c.5455C>T, p.Arg1819Cys (NM_004011.4); c.5446C>T, p.Arg1816Cys (NM_004012.4); c.2098C>T, p.Arg700Cys (NM_004013.3, NM_004020.4, NM_004021.3 and 2 more transcripts); c.1291C>T, p.Arg431Cys (NM_004014.3); c.274C>T, p.Arg92Cys (NM_004015.3, NM_004016.3, NM_004017.3 and 2 more transcripts); short protein forms R1819C, R3037C, R700C, R1816C, R3156C, R3160C, R431C, R3152C.
Identifiers: ClinVar variation 959602 (VCV000959602.15), dbSNP rs779233737, ClinGen allele CA10377803.
Genomic context (GRCh38, chrX:31,209,583, plus strand): 5'-TCAGACACATATCCACGCAGAGAGGGACGTTGACCAAATTGTTGTGCTCTTGCTCCAGGC[G>A]GTCATAAATAGTGGTCAAACAATTAATAATCTGCAGGATATCCATGGGCTGGTCATTTTG-3'
Protein context (NP_003997.2, residues 3150-3170): IINCLTTIYD[Arg3160Cys]LEQEHNNLVN

ClinVar aggregate classification (germline): Conflicting classifications of pathogenicity. Review status: criteria provided, conflicting classifications (1 of 4 stars). 5 submissions from 5 submitters: Uncertain significance (3); Likely benign (2). Last evaluated 2025-09-14.

Conditions:
Cardiovascular phenotype. Identifiers: MedGen CN230736.
Duchenne muscular dystrophy (DMD). Also called: MUSCULAR DYSTROPHY, PSEUDOHYPERTROPHIC PROGRESSIVE, DUCHENNE TYPE; Duchenne Muscular Dystrophy (DMD). Identifiers: Orphanet 98896, MedGen C0013264, MONDO:0010679, OMIM 310200.

Allele frequency attached by ClinVar (database versions not stated): gnomAD exomes 0.00001 and 0.00003; TOPMed 0.00002; ExAC 0.00003.

Submissions (5):

Labcorp Genetics (formerly Invitae), Labcorp
Classification: Likely benign for Duchenne muscular dystrophy. Last evaluated: 2025-09-14. Review status: criteria provided, single submitter. Criteria: Invitae Variant Classification Sherloc (09022015). Collection method: clinical testing. Allele origin: germline.

Molecular Diagnostic Laboratory for Inherited Cardiovascular Disease, Montreal Heart Institute
Classification: Uncertain significance for Cardiovascular phenotype. Last evaluated: 2025-04-09. Review status: criteria provided, single submitter. Criteria: ACMG Guidelines, 2015. Collection method: clinical testing. Allele origin: germline. Affected: yes.

Ambry Genetics
Classification: Uncertain significance for Cardiovascular phenotype. Last evaluated: 2023-09-08. Review status: criteria provided, single submitter. Criteria: Ambry Variant Classification Scheme 2023. Collection method: clinical testing. Allele origin: germline.
Comment: The p.R3160C variant (also known as c.9478C>T), located in coding exon 65 of the DMD gene, results from a C to T substitution at nucleotide position 9478. The arginine at codon 3160 is replaced by cysteine, an amino acid with highly dissimilar properties. Based on data from gnomAD, the T allele has an overall frequency of 0.001% (2/183399) total alleles studied, including a total of 2 hemizygotes. The highest observed frequency was 0.002% (2/81868) of European non-Finnish alleles. This amino acid position is well conserved in available vertebrate species. In addition, this alteration is predicted to be deleterious by in silico analysis. Since supporting evidence is limited at this time, the clinical significance of this alteration remains unclear.

GeneDx
Classification: Likely benign. Last evaluated: 2020-12-08. Review status: criteria provided, single submitter. Criteria: GeneDx Variant Classification Process June 2021. Collection method: clinical testing. Allele origin: germline. Affected: yes.

Revvity Omics, Revvity
Classification: Uncertain significance. Last evaluated: 2019-08-27. Review status: criteria provided, single submitter. Criteria: ACMG Guidelines, 2015. Collection method: clinical testing. Allele origin: germline.